The following is an entry in ClinVar:

ClinVar aggregate classification (germline): Pathogenic (1 of 4 stars; one submission).

Conditions:
Osteogenesis imperfecta type I (OI1). Also called: OI, TYPE I; OSTEOGENESIS IMPERFECTA TARDA; OSTEOGENESIS IMPERFECTA WITH BLUE SCLERAE; Osteogenesis imperfecta type 1; Lobstein's Disease; Lobstein disease. Identifiers: Orphanet 216796, Orphanet 666, MedGen C0023931, MONDO:0008146, OMIM 166200. Disease mechanism: loss of function.

Submission:

Laboratory of Genetic Skeletal Anomaly, Seoul National University Children's Hospital
Classification: Pathogenic for Osteogenesis imperfecta type I. Last evaluated: 2025-03-01. Review status: criteria provided, single submitter. Criteria: ACMG Guidelines, 2015. Collection method: research. Allele origin: germline. Affected: yes.
Comment: This variant is a novel variant not previously reported in the literature or population databases. It was classified based on available in silico predictions and absence from gnomAD.

NM_000088.4(COL1A1):c.1392_1399dup (p.Gly467fs)

Gene: COL1A1 (collagen type I alpha 1 chain; minus strand). Cytogenetic location: 17q21.33.
Variant type: Duplication.
Coding change: c.1392_1399dup on transcript NM_000088.4 (MANE Select); coding-DNA positions 1392 to 1399, 8 bases duplicated (AGAGGAAG; older notation c.1392_1399dupAGAGGAAG).
Protein change: p.Gly467fs; shifts the reading frame from glycine 467.
Molecular consequence: frameshift variant.
Genome position (GRCh38, 1-based): chr17:50,194,783-50,194,790, CTTCCTCT duplicated on the plus strand (AGAGGAAG on the coding strand, the reverse complement: COL1A1 is on the minus strand); duplicating any 8 consecutive bases within chr17:50,194,783-50,194,791 gives the same sequence; the c. name uses the placement nearest the transcript's 3' end. VCF-style (leftmost placement, unchanged base first): chr17-50194782-C-CCTTCCTCT. GRCh37 (hg19) VCF-style: chr17-48272143-C-CCTTCCTCT.
Other names: short protein forms G467fs.
Identifiers: ClinVar variation 4280687 (VCV004280687.1).
Genomic context (GRCh38, chr17:50,194,782, plus strand): 5'-CGCTCGCCAGGGGGTCCGGGCAGGCCAGTGGGTCCGGGTTCACCTCGAGCTCCTCGCTTT[C>CCTTCCTCT]CTTCCTCTCCAGCAGGGCCAGGGGGTCCTTGAACACCAACAGGGCCCTGGAGAGGGCCGA-3'